The following is an entry in ClinVar:

NM_000535.7(PMS2):c.2224A>C (p.Asn742His)

Gene: PMS2 (PMS1 homolog 2, mismatch repair system component; minus strand). Cytogenetic location: 7p22.1.
Variant type: single nucleotide variant.
Coding change: c.2224A>C on transcript NM_000535.7 (MANE Select); coding-DNA position 2224, A replaced by C.
Protein change: p.Asn742His; replaces asparagine 742 with histidine.
Molecular consequence: missense variant. On other transcripts: non-coding transcript variant (1).
Genome position (GRCh38, 1-based): chr7:5,978,647, T>G on the plus strand (A>C on the coding strand, the complement: PMS2 is on the minus strand). VCF-style: chr7-5978647-T-G. GRCh37 (hg19) VCF-style: chr7-6018278-T-G.
Other names: c.1819A>C, p.Asn607His (NM_001018040.1, NM_001322003.2, NM_001322004.2 and 15 more transcripts); c.2068A>C, p.Asn690His (NM_001322006.2, NM_001406870.1); c.1906A>C, p.Asn636His (NM_001322007.2, NM_001322008.2, NM_001406876.1 and 1 more transcripts); c.1663A>C, p.Asn555His (NM_001322010.2, NM_001406906.1, NM_001406907.1); c.1291A>C, p.Asn431His (NM_001322011.2, NM_001322012.2); c.1651A>C, p.Asn551His (NM_001322013.2, NM_001406908.1, NM_001406909.1); c.2224A>C, p.Asn742His (NM_001322014.2); c.1915A>C, p.Asn639His (NM_001322015.2, NM_001406875.1, NM_001406877.1 and 5 more transcripts); and 14 more; short protein forms N341H, N620H, N634H, N431H, N485H, N584H, N630H, N639H.
Identifiers: ClinVar variation 1787969 (VCV001787969.2), dbSNP rs2535393350, ClinGen allele CA366736729.

ClinVar aggregate classification (germline): Uncertain significance (1 of 4 stars; one submission).

Conditions:
Hereditary cancer-predisposing syndrome. Also called: Neoplastic Syndromes, Hereditary; Tumor predisposition; Hereditary Cancer Syndrome; Hereditary neoplastic syndrome. Identifiers: Orphanet 140162, MedGen C0027672, MeSH D009386, MONDO:0015356.

Submission:

Ambry Genetics
Classification: Uncertain significance for Hereditary cancer-predisposing syndrome. Last evaluated: 2022-05-23. Review status: criteria provided, single submitter. Criteria: Ambry Variant Classification Scheme 2023. Collection method: clinical testing. Allele origin: germline.
Comment: The p.N742H variant (also known as c.2224A>C), located in coding exon 13 of the PMS2 gene, results from an A to C substitution at nucleotide position 2224. The asparagine at codon 742 is replaced by histidine, an amino acid with similar properties. This amino acid position is highly conserved in available vertebrate species. In addition, the in silico prediction for this alteration is inconclusive. Since supporting evidence is limited at this time, the clinical significance of this alteration remains unclear.